The following is an entry in ClinVar:

ClinVar aggregate classification (germline): Uncertain significance (1 of 4 stars; one submission).

gnomAD v4.1: 3 of 1,493,954 alleles (0.0002%); highest among the groups gnomAD compares: Non-Finnish European, 0.00027%; no homozygotes.

Submission:

GeneDx
Classification: Uncertain significance. Last evaluated: 2024-01-05. Review status: criteria provided, single submitter. Criteria: GeneDx Variant Classification Process June 2021. Collection method: clinical testing. Allele origin: germline. Affected: yes.
Comment: Not observed at significant frequency in large population cohorts (gnomAD); In silico analysis supports that this missense variant has a deleterious effect on protein structure/function; Has not been previously published as pathogenic or benign to our knowledge

NM_001367479.1(DNAH14):c.8437G>C (p.Val2813Leu)

Gene: DNAH14 (dynein axonemal heavy chain 14; plus strand). Cytogenetic location: 1q42.12.
Variant type: single nucleotide variant.
Coding change: c.8437G>C on transcript NM_001367479.1 (MANE Select); coding-DNA position 8437, G replaced by C.
Protein change: p.Val2813Leu; replaces valine 2813 with leucine.
Molecular consequence: missense variant.
Genome position (GRCh38, 1-based): chr1:225,290,050, G>C. VCF-style: chr1-225290050-G-C. GRCh37 (hg19) VCF-style: chr1-225477752-G-C.
Other names: NM_001373.1:c.8158G>C; short protein forms V2813L.
Identifiers: ClinVar variation 3367606 (VCV003367606.1).
Genomic context (GRCh38, chr1:225,290,050, plus strand): 5'-GAATTCAAAGAAGTCTTTAAAAAGGTGTTTATTCACGCAGGATTAAAAGGGAAACCCACT[G>C]TTCTGATGGTTCCCAATTTAAACATAGAACAAGTAAGTACTTTTTGTCTTTGCTATTTGC-3'
Protein context (NP_001354408.1, residues 2803-2823): IHAGLKGKPT[Val2813Leu]LMVPNLNIEQ